The following is an entry in ClinVar:

NM_005458.8(GABBR2):c.1997T>A (p.Leu666His)

Gene: GABBR2 (gamma-aminobutyric acid type B receptor subunit 2; minus strand). Cytogenetic location: 9q22.33.
Variant type: single nucleotide variant.
Coding change: c.1997T>A on transcript NM_005458.8 (MANE Select); coding-DNA position 1997, T replaced by A.
Protein change: p.Leu666His; replaces leucine 666 with histidine.
Molecular consequence: missense variant.
Genome position (GRCh38, 1-based): chr9:98,311,102, A>T on the plus strand (T>A on the coding strand, the complement: GABBR2 is on the minus strand). VCF-style: chr9-98311102-A-T. GRCh37 (hg19) VCF-style: chr9-101073384-A-T.
Other names: short protein forms L666H.
Identifiers: ClinVar variation 2073593 (VCV002073593.4), dbSNP rs2491221223, ClinGen allele CA374203128.

ClinVar aggregate classification (germline): Uncertain significance (1 of 4 stars; one submission).

Conditions:
Epileptic encephalopathy. Identifiers: MedGen C0543888, HP:0200134.

Submission:

Labcorp Genetics (formerly Invitae), Labcorp
Classification: Uncertain significance for Epileptic encephalopathy. Last evaluated: 2022-02-06. Review status: criteria provided, single submitter. Criteria: Invitae Variant Classification Sherloc (09022015). Collection method: clinical testing. Allele origin: germline.
Comment: Algorithms developed to predict the effect of missense changes on protein structure and function (SIFT, PolyPhen-2, Align-GVGD) all suggest that this variant is likely to be disruptive. This sequence change replaces leucine, which is neutral and non-polar, with histidine, which is basic and polar, at codon 666 of the GABBR2 protein (p.Leu666His). This variant is not present in population databases (gnomAD no frequency). This variant has not been reported in the literature in individuals affected with GABBR2-related conditions. In summary, the available evidence is currently insufficient to determine the role of this variant in disease. Therefore, it has been classified as a Variant of Uncertain Significance.